The following is an entry in ClinVar:

ClinVar aggregate classification (germline): Uncertain significance (1 of 4 stars; one submission).

Submission:

Labcorp Genetics (formerly Invitae), Labcorp
Classification: Uncertain significance. Last evaluated: 2022-11-15. Review status: criteria provided, single submitter. Criteria: Invitae Variant Classification Sherloc (09022015). Collection method: clinical testing. Allele origin: germline.
Comment: This sequence change replaces glutamine, which is neutral and polar, with lysine, which is basic and polar, at codon 1311 of the TUBGCP6 protein (p.Gln1311Lys). This variant is not present in population databases (gnomAD no frequency). This variant has not been reported in the literature in individuals affected with TUBGCP6-related conditions. ClinVar contains an entry for this variant (Variation ID: 1389653). Algorithms developed to predict the effect of missense changes on protein structure and function (SIFT, PolyPhen-2, Align-GVGD) all suggest that this variant is likely to be tolerated. In summary, the available evidence is currently insufficient to determine the role of this variant in disease. Therefore, it has been classified as a Variant of Uncertain Significance.

NM_020461.4(TUBGCP6):c.3931C>A (p.Gln1311Lys)

Gene: TUBGCP6 (tubulin gamma complex component 6; minus strand). Cytogenetic location: 22q13.33.
Variant type: single nucleotide variant.
Coding change: c.3931C>A on transcript NM_020461.4 (MANE Select); coding-DNA position 3931, C replaced by A.
Protein change: p.Gln1311Lys; replaces glutamine 1311 with lysine.
Molecular consequence: missense variant.
Genome position (GRCh38, 1-based): chr22:50,220,428, G>T on the plus strand (C>A on the coding strand, the complement: TUBGCP6 is on the minus strand). VCF-style: chr22-50220428-G-T. GRCh37 (hg19) VCF-style: chr22-50658857-G-T.
Other names: short protein forms Q1311K.
Identifiers: ClinVar variation 1389653 (VCV001389653.6), dbSNP rs2147177079, ClinGen allele CA412177704.